The following is an entry in ClinVar:

NM_000179.3(MSH6):c.1407T>A (p.Tyr469Ter)

Gene: MSH6 (mutS homolog 6; plus strand). Cytogenetic location: 2p16.3.
Variant type: single nucleotide variant.
Coding change: c.1407T>A on transcript NM_000179.3 (MANE Select); coding-DNA position 1407, T replaced by A.
Protein change: p.Tyr469Ter; replaces tyrosine 469 with a stop codon.
Molecular consequence: nonsense.
Genome position (GRCh38, 1-based): chr2:47,799,390, T>A. VCF-style: chr2-47799390-T-A. GRCh37 (hg19) VCF-style: chr2-48026529-T-A.
Other names: c.1017T>A, p.Tyr339Ter (NM_001281492.2); c.501T>A, p.Tyr167Ter (NM_001281493.2, NM_001281494.2); short protein forms Y469*, Y339*, Y167*.
Identifiers: ClinVar variation 140972 (VCV000140972.5), dbSNP rs587781408, ClinGen allele CA008590.

ClinVar aggregate classification (germline): Pathogenic. Review status: criteria provided, multiple submitters, no conflicts (2 of 4 stars). 3 submissions from 3 submitters: Pathogenic (2). 1 of the submissions does not count toward it. Last evaluated 2025-06-20.

Conditions:
Hereditary cancer-predisposing syndrome. Also called: Neoplastic Syndromes, Hereditary; Tumor predisposition; Hereditary Cancer Syndrome; Hereditary neoplastic syndrome. Identifiers: Orphanet 140162, MedGen C0027672, MeSH D009386, MONDO:0015356.
Lynch syndrome. Identifiers: Orphanet 144, MedGen C4552100, MONDO:0005835. Disease mechanism: loss of function.

Submissions (3):

GeneKor MSA
Classification: Pathogenic for Lynch syndrome. Last evaluated: 2025-06-20. Review status: criteria provided, single submitter. Criteria: ACMG Guidelines, 2015. Collection method: clinical testing. Allele origin: germline. Affected: no.
Comment: This specific mutation involves a single nucleotide substitution at position c.1407 of the MSH6 gene, resulting in the replacement of a Tyrosine codon with a stop codon at position 469 of the MSH6 protein (p.Tyr469Ter). The resulting protein is expected to be truncated and non-functional.This variant has been described as pathogenic in established mutation databases (ClinVar Variation ID:140972).For these reasons, the variant is classified as pathogenic.

Ambry Genetics
Classification: Pathogenic for Hereditary cancer-predisposing syndrome. Last evaluated: 2013-12-11. Review status: criteria provided, single submitter. Criteria: Ambry Autosomal Dominant and X-Linked criteria (10/2015). Collection method: clinical testing. Allele origin: germline. Observed: 1 variant allele.
Comment: The p.Y469Xpathogenic mutation (also known as c.1407T>A) located in coding exon 4 of the MSH6 gene, results from a T to A substitution at nucleotide position 1407. This changes the amino acid from a tyrosine to a stop codon within coding exon 4. Since premature stop codons are typically deleterious in nature, this alteration is interpreted as a disease-causing mutation (ACMG Recommendations for Standards for Interpretation and Reporting of Sequence Variations. Revision 2007. Genet Med. 2008;10:294).

Department of Pathology and Laboratory Medicine, Sinai Health System
Classification: Pathogenic. Review status: no assertion criteria provided. Collection method: clinical testing. Allele origin: unknown. Affected: yes. Observed: 1 variant allele. Study: The Canadian Open Genetics Repository (COGR). Not counted in ClinVar's aggregate classification.
Comment: The MSH6 p.Tyr469X variant was not identified in the literature, nor was it identified in the dbSNP (NHLBI Exome Sequencing Project, HGMD, UMD, â€šÃ„ÃºMismatch Repair Genes Variant Databaseâ€šÃ„Ã¹, â€šÃ„ÃºInSiGHT Colon Cancer Databaseâ€šÃ„Ã¹, â€šÃ„ÃºMMR Gene Unclassified Variants Databaseâ€šÃ„Ã¹, or COSMIC database. The p.Tyr469X variant leads to a premature stop codon at position 469, which is predicted to lead to a truncated or absent protein and loss of function. Loss of function variants of the MSH6 gene are an established mechanism of disease in Lynch syndrome and this is the type of variant expected to cause the disorder. In summary, based on the above information, this variant meets our laboratoryâ€šÃ„Ã´s criteria to be classified as pathogenic.